The following is an entry in ClinVar:

NM_000441.2(SLC26A4):c.1618G>A (p.Glu540Lys)

Gene: SLC26A4 (solute carrier family 26 member 4; plus strand). Cytogenetic location: 7q22.3.
Variant type: single nucleotide variant.
Coding change: c.1618G>A on transcript NM_000441.2 (MANE Select); coding-DNA position 1618, G replaced by A.
Protein change: p.Glu540Lys; replaces glutamic acid 540 with lysine.
Molecular consequence: missense variant.
Genome position (GRCh38, 1-based): chr7:107,700,086, G>A. VCF-style: chr7-107700086-G-A. GRCh37 (hg19) VCF-style: chr7-107340531-G-A.
Other names: short protein forms E540K.
Identifiers: ClinVar variation 2663315 (VCV002663315.2), dbSNP rs747353787, ClinGen allele CA4432899.
Genomic context (GRCh38, chr7:107,700,086, plus strand): 5'-AATTAAATACTTGAGGCTTGAAATTATTTAATCCCAGACAATTTCTTTTAATGCCAGATT[G>A]AAGAACCTCAAGGAGTGAAGATTCTTAGATTTTCCAGTCCTATTTTCTATGGCAATGTCG-3'
Protein context (NP_000432.1, residues 530-550): YKSTKNYKNI[Glu540Lys]EPQGVKILRF

ClinVar aggregate classification (germline): Uncertain significance (1 of 4 stars; one submission).

Allele frequency attached by ClinVar (database versions not stated): gnomAD 0.00003; TOPMed 0.00001; gnomAD exomes 0.00002; ExAC 0.00001.
gnomAD v4.1: 27 of 1,525,236 alleles (0.0018%); highest among the groups gnomAD compares: Non-Finnish European, 0.0022%; no homozygotes.

Submission:

GeneDx
Classification: Uncertain significance. Last evaluated: 2025-10-22. Review status: criteria provided, single submitter. Criteria: GeneDx Variant Classification Process June 2021. Collection method: clinical testing. Allele origin: germline.
Comment: Not observed at significant frequency in large population cohorts (gnomAD); In silico analysis suggests that this missense variant does not alter protein structure/function; Has not been previously published as pathogenic or benign to our knowledge